The following is an entry in ClinVar:

NM_032122.5(DTNBP1):c.512-2A>C

Gene: DTNBP1 (dystrobrevin binding protein 1; minus strand). Cytogenetic location: 6p22.3.
Variant type: single nucleotide variant.
Coding change: c.512-2A>C on transcript NM_032122.5 (MANE Select); the canonical splice acceptor site of the intron before coding-DNA position 512, A replaced by C.
Molecular consequence: splice acceptor variant.
Genome position (GRCh38, 1-based): chr6:15,533,397, T>G on the plus strand (A>C on the coding strand, the complement: DTNBP1 is on the minus strand). VCF-style: chr6-15533397-T-G. GRCh37 (hg19) VCF-style: chr6-15533628-T-G.
Other names: c.407-2A>C (NM_001271669.2); c.461-2A>C (NM_001271668.2); c.269-2A>C (NM_001271667.2); c.512-2A>C (NM_183040.2).
Identifiers: ClinVar variation 1968264 (VCV001968264.5), dbSNP rs2533372260, ClinGen allele CA362807224.
Genomic context (GRCh38, chr6:15,533,397, plus strand): 5'-CATTTGCTGGGTGTGCTCCATTTCCAGGACCTTCTGGGCGTGCTCTGCATCTAGTTCAGC[T>G]GAGGAAACAGAATAACTGGGGTTAGGGTTTGAAAAGGGACTGAGAGAGGAAATGGGTATA-3'

ClinVar aggregate classification (germline): Likely pathogenic (1 of 4 stars; one submission).

Submission:

Labcorp Genetics (formerly Invitae), Labcorp
Classification: Likely pathogenic. Last evaluated: 2022-04-07. Review status: criteria provided, single submitter. Criteria: Invitae Variant Classification Sherloc (09022015). Collection method: clinical testing. Allele origin: germline.
Comment: In summary, the currently available evidence indicates that the variant is pathogenic, but additional data are needed to prove that conclusively. Therefore, this variant has been classified as Likely Pathogenic. Algorithms developed to predict the effect of sequence changes on RNA splicing suggest that this variant may disrupt the consensus splice site. This variant has not been reported in the literature in individuals affected with DTNBP1-related conditions. This variant is not present in population databases (gnomAD no frequency). This sequence change affects an acceptor splice site in intron 7 of the DTNBP1 gene. It is expected to disrupt RNA splicing. Variants that disrupt the donor or acceptor splice site typically lead to a loss of protein function (PMID: 16199547), and loss-of-function variants in DTNBP1 are known to be pathogenic (PMID: 12923531, 23364359).

Literature cited by the submitters: PubMed 16199547; PubMed 12923531; PubMed 23364359.